The following is an entry in ClinVar:

ClinVar aggregate classification (germline): Likely benign. Review status: criteria provided, single submitter (1 of 4 stars). 2 submissions from 2 submitters: Likely benign (1). 1 of the submissions does not count toward it. Last evaluated 2025-11-11.

Conditions:
Arginine:glycine amidinotransferase deficiency (CCDS3). Also called: AGAT deficiency; Cerebral creatine deficiency syndrome 3; L-Arginine:Glycine Amidinotransferase Deficiency; Creatine deficiency syndrome due to AGAT deficiency; GATM deficiency; L-Arginine:Glycine Amidinotransferase (AGAT) Deficiency. Identifiers: Orphanet 35704, MedGen C2675179, MONDO:0012996, OMIM 612718.
GATM-related disorder. Also called: GATM-related condition.

Allele frequency attached by ClinVar (database versions not stated): TOPMed 0.00001; ExAC 0.00001; gnomAD exomes 0.00001.
gnomAD v4.1: 20 of 1,613,096 alleles (0.0012%); highest among the groups gnomAD compares: Non-Finnish European, 0.0016%; no homozygotes.

Submissions (2):

Labcorp Genetics (formerly Invitae), Labcorp
Classification: Likely benign for Arginine:glycine amidinotransferase deficiency. Last evaluated: 2025-11-11. Review status: criteria provided, single submitter. Criteria: Invitae Variant Classification Sherloc (09022015). Collection method: clinical testing. Allele origin: germline.

PreventionGenetics, part of Exact Sciences
Classification: Likely benign for GATM-related condition. Last evaluated: 2019-05-22. Review status: no assertion criteria provided. Collection method: clinical testing. Allele origin: germline. Not counted in ClinVar's aggregate classification.
Comment: This variant is classified as likely benign based on ACMG/AMP sequence variant interpretation guidelines (Richards et al. 2015 PMID: 25741868, with internal and published modifications).

NM_001482.3(GATM):c.675+9C>G

Gene: GATM (glycine amidinotransferase; minus strand). Cytogenetic location: 15q21.1.
Variant type: single nucleotide variant.
Coding change: c.675+9C>G on transcript NM_001482.3 (MANE Select); 9 bases into the intron after coding-DNA position 675, C replaced by G.
Molecular consequence: intron variant.
Genome position (GRCh38, 1-based): chr15:45,368,061, G>C on the plus strand (C>G on the coding strand, the complement: GATM is on the minus strand). VCF-style: chr15-45368061-G-C. GRCh37 (hg19) VCF-style: chr15-45660259-G-C.
Other names: c.288+9C>G (NM_001321015.2); c.675+9C>G (NM_001482.2).
Identifiers: ClinVar variation 1054800 (VCV001054800.9), dbSNP rs766041671, ClinGen allele CA7542880.